The following is an entry in ClinVar:

NM_001401501.2(MUC16):c.43494C>T (p.Gly14498=)

Gene: MUC16 (mucin 16, cell surface associated; minus strand). Cytogenetic location: 19p13.2.
Variant type: single nucleotide variant.
Coding change: c.43494C>T on transcript NM_001401501.2 (MANE Select); coding-DNA position 43494, C replaced by T.
Protein change: p.Gly14498=; no amino-acid change (glycine 14498 retained).
Molecular consequence: synonymous variant.
Genome position (GRCh38, 1-based): chr19:8,886,778, G>A on the plus strand (C>T on the coding strand, the complement: MUC16 is on the minus strand). VCF-style: chr19-8886778-G-A. GRCh37 (hg19) VCF-style: chr19-8997454-G-A.
Other names: c.43920C>T, p.Gly14640= (NM_001414686.1); c.43374C>T, p.Gly14458= (NM_001414687.1); c.40968C>T, p.Gly13656= (NM_024690.2).
Identifiers: ClinVar variation 3057103 (VCV003057103.2), dbSNP rs76629162, ClinGen allele CA9163042.
Genomic context (GRCh38, chr19:8,886,778, plus strand): 5'-GATGGGCGGGGCTCTTACCAGGCCCTGAAGGACCCTCTCCGTGGTGTTGAACTTCCTGGA[G>A]CCAGGGTGCTGCATGTTCTCCTCATACCGCAGGTTGGTGATGGTGAAGTTGAGAGTGAAT-3'
Protein context (NP_001388430.1, residues 14488-14508): LRYEENMQHP[Gly14498=]SRKFNTTERV

ClinVar aggregate classification (germline): Likely benign (0 of 4 stars; one submission).

Conditions:
MUC16-related disorder. Also called: MUC16-related condition.

Submission:

PreventionGenetics, part of Exact Sciences
Classification: Likely benign for MUC16-related condition. Last evaluated: 2019-10-17. Review status: no assertion criteria provided. Collection method: clinical testing. Allele origin: germline.
Comment: This variant is classified as likely benign based on ACMG/AMP sequence variant interpretation guidelines (Richards et al. 2015 PMID: 25741868, with internal and published modifications).